The following is an entry in ClinVar:

ClinVar aggregate classification (germline): Benign. Review status: criteria provided, multiple submitters, no conflicts (2 of 4 stars). 13 submissions from 10 submitters: Benign (13). Last evaluated 2026-02-04.

Conditions:
Malignant hyperthermia, susceptibility to, 5 (MHS5). Also called: CACNA1S-Related Malignant Hyperthermia Susceptibility. Identifiers: Orphanet 423, MedGen C1866077, MONDO:0011163, OMIM 601887.
Hypokalemic periodic paralysis, type 1. Also called: HypoPP; Hypokalemic Periodic Paralysis Type 1 (AD). Identifiers: Orphanet 681, MedGen C3714580, MONDO:0042979, OMIM 170400.
Congenital myopathy 18. Also called: DIHYDROPYRIDINE RECEPTOR CONGENITAL MYOPATHY; DHPR CONGENITAL MYOPATHY; Myopathy, congenital, due to dihydropyridine receptor defect. Identifiers: MedGen C5830283, MONDO:0859514, OMIM 620246.
Thyrotoxic periodic paralysis, susceptibility to, 1 (TTPP1). Identifiers: Orphanet 79102, MedGen C2749982, MONDO:0008570, OMIM 188580.

Allele frequency attached by ClinVar (database versions not stated): gnomAD exomes 0.05225 and 0.06126; ExAC 0.06560; 1000 Genomes Project 0.09964; 1000 Genomes Project 30x 0.10618; gnomAD 0.10822 and 0.11390; TOPMed 0.11362; ESP Exome Variant Server 0.12087.
gnomAD v4.1: 93,531 of 1,613,994 alleles (5.8%); highest among the groups gnomAD compares: African/African-American, 26%; 4,663 homozygotes.

Submissions (13):

Labcorp Genetics (formerly Invitae), Labcorp
Classification: Benign for Hypokalemic periodic paralysis, type 1; Malignant hyperthermia, susceptibility to, 5. Last evaluated: 2026-02-04. Review status: criteria provided, single submitter. Criteria: Invitae Variant Classification Sherloc (09022015). Collection method: clinical testing. Allele origin: germline.

All of Us Research Program, National Institutes of Health
Classification: Benign for Malignant hyperthermia, susceptibility to, 5. Last evaluated: 2024-02-05. Review status: criteria provided, single submitter. Criteria: ACMG Guidelines, 2015. Collection method: clinical testing. Allele origin: germline. Inheritance: Autosomal dominant inheritance. Observed: 13,077 variant alleles, 12,290 heterozygotes, 787 homozygotes.
Comment: This study involves interpretation of variants in research participants for the purpose of population health screening. Participant phenotype was not available at the time of variant classification. Additional details can be found in publication PMID: 35346344, PMCID: PMC8962531

Genome-Nilou Lab
Classification: Benign for Malignant hyperthermia, susceptibility to, 5. Last evaluated: 2023-04-11. Review status: criteria provided, single submitter. Criteria: ACMG Guidelines, 2015. Collection method: clinical testing. Allele origin: germline. Affected: no.

Genome-Nilou Lab
Classification: Benign for Thyrotoxic periodic paralysis, susceptibility to, 1. Last evaluated: 2023-04-11. Review status: criteria provided, single submitter. Criteria: ACMG Guidelines, 2015. Collection method: clinical testing. Allele origin: germline. Affected: no.

Genome-Nilou Lab
Classification: Benign for Congenital myopathy 18. Last evaluated: 2023-04-11. Review status: criteria provided, single submitter. Criteria: ACMG Guidelines, 2015. Collection method: clinical testing. Allele origin: germline. Affected: no.

Genome-Nilou Lab
Classification: Benign for Hypokalemic periodic paralysis, type 1. Last evaluated: 2023-04-11. Review status: criteria provided, single submitter. Criteria: ACMG Guidelines, 2015. Collection method: clinical testing. Allele origin: germline. Affected: no.

SIB Swiss Institute of Bioinformatics
Classification: Benign. Last evaluated: 2018-05-31. Review status: criteria provided, single submitter. Criteria: ACMG Guidelines, 2015. Collection method: curation. Allele origin: unknown.
Comment: This variant is interpreted as a Benign - Stand Alone. The following ACMG Tag(s) were applied: BA1 => Allele frequency is >5% in Exome Sequencing Project, 1000 Genomes Project, or Exome Aggregation Consortium.

Color Diagnostics, LLC DBA Color Health
Classification: Benign for Malignant hyperthermia, susceptibility to, 5. Last evaluated: 2018-03-05. Review status: criteria provided, single submitter. Criteria: ACMG Guidelines, 2015. Collection method: clinical testing. Allele origin: germline.

Illumina Laboratory Services, Illumina
Classification: Benign for Hypokalemic periodic paralysis, type 1. Last evaluated: 2018-01-13. Review status: criteria provided, single submitter. Criteria: ICSL Variant Classification Criteria 13 December 2019. Collection method: clinical testing. Allele origin: germline.
Comment: This variant was observed in the ICSL laboratory as part of a predisposition screen in an ostensibly healthy population. It had not been previously curated by ICSL or reported in the Human Gene Mutation Database (HGMD: prior to June 1st, 2018), and was therefore a candidate for classification through an automated scoring system. Utilizing variant allele frequency, disease prevalence and penetrance estimates, and inheritance mode, an automated score was calculated to assess if this variant is too frequent to cause the disease. Based on the score and internal cut-off values, a variant classified as benign is not then subjected to further curation. The score for this variant resulted in a classification of benign for this disease.

Mayo Clinic Laboratories, Mayo Clinic
Classification: Benign. Last evaluated: 2017-10-10. Review status: criteria provided, single submitter. Criteria: ACMG Guidelines, 2015. Collection method: clinical testing. Allele origin: germline. Observed: 67 variant alleles.

GeneDx
Classification: Benign. Last evaluated: 2016-02-29. Review status: criteria provided, single submitter. Criteria: GeneDx Variant Classification (06012015). Collection method: clinical testing. Allele origin: germline. Affected: yes.
Comment: This variant is considered likely benign or benign based on one or more of the following criteria: it is a conservative change, it occurs at a poorly conserved position in the protein, it is predicted to be benign by multiple in silico algorithms, and/or has population frequency not consistent with disease.

Breakthrough Genomics
Classification: Benign. Review status: criteria provided, single submitter. Criteria: ACMG Guidelines, 2015. Collection method: not provided. Allele origin: germline. Inheritance: Autosomal dominant inheritance. Affected: yes.

PreventionGenetics, part of Exact Sciences
Classification: Benign. Review status: criteria provided, single submitter. Criteria: ACMG Guidelines, 2015. Collection method: clinical testing. Allele origin: germline.

NM_000069.3(CACNA1S):c.4973G>A (p.Arg1658His)

Gene: CACNA1S (calcium voltage-gated channel subunit alpha1 S; minus strand). Cytogenetic location: 1q32.1.
Variant type: single nucleotide variant.
Coding change: c.4973G>A on transcript NM_000069.3 (MANE Select); coding-DNA position 4973, G replaced by A.
Protein change: p.Arg1658His; replaces arginine 1658 with histidine.
Molecular consequence: missense variant.
Genome position (GRCh38, 1-based): chr1:201,043,356, C>T on the plus strand (G>A on the coding strand, the complement: CACNA1S is on the minus strand). VCF-style: chr1-201043356-C-T. GRCh37 (hg19) VCF-style: chr1-201012484-C-T.
Other names: NM_000069.2(CACNA1S):c.4973G>A(p.Arg1658His); short protein forms R1658H.
Identifiers: ClinVar variation 254842 (VCV000254842.20), dbSNP rs13374149, ClinGen allele CA083638.